The following is an entry in ClinVar:

ClinVar aggregate classification (germline): Uncertain significance (1 of 4 stars; one submission).

Conditions:
Thrombophilia due to protein C deficiency, autosomal dominant. Also called: PROC DEFICIENCY, AUTOSOMAL DOMINANT; PROTEIN C DEFICIENCY, AUTOSOMAL DOMINANT. Identifiers: Orphanet 745, MedGen C2674321, MONDO:0008316, OMIM 176860. Disease mechanism: loss of function.

Submission:

Labcorp Genetics (formerly Invitae), Labcorp
Classification: Uncertain significance for Thrombophilia due to protein C deficiency, autosomal dominant. Last evaluated: 2018-07-05. Review status: criteria provided, single submitter. Criteria: Invitae Variant Classification Sherloc (09022015). Collection method: clinical testing. Allele origin: germline.
Comment: In summary, the available evidence is currently insufficient to determine the role of this variant in disease. Therefore, it has been classified as a Variant of Uncertain Significance. Algorithms developed to predict the effect of missense changes on protein structure and function (SIFT, PolyPhen-2, Align-GVGD) all suggest that this variant is likely to be disruptive, but these predictions have not been confirmed by published functional studies and their clinical significance is uncertain. This variant has not been reported in the literature in individuals with PROC-related disease. This variant is not present in population databases (ExAC no frequency). This sequence change replaces glycine with cysteine at codon 109 of the PROC protein (p.Gly109Cys). The glycine residue is highly conserved and there is a large physicochemical difference between glycine and cysteine.

NM_000312.4(PROC):c.325G>T (p.Gly109Cys)

Gene: PROC (protein C, inactivator of coagulation factors Va and VIIIa; plus strand). Cytogenetic location: 2q14.3.
Variant type: single nucleotide variant.
Coding change: c.325G>T on transcript NM_000312.4 (MANE Select); coding-DNA position 325, G replaced by T.
Protein change: p.Gly109Cys; replaces glycine 109 with cysteine.
Molecular consequence: missense variant. On other transcripts: synonymous variant (1).
Genome position (GRCh38, 1-based): chr2:127,423,096, G>T. VCF-style: chr2-127423096-G-T. GRCh37 (hg19) VCF-style: chr2-128180672-G-T.
Other names: c.508G>T, p.Gly170Cys (NM_001375602.1); c.388G>T, p.Gly130Cys (NM_001375603.1, NM_001375604.1); c.325G>T, p.Gly109Cys (NM_001375605.1, NM_001375608.1, NM_001375611.1 and 1 more transcripts); c.480G>T, p.Thr160= (NM_001375606.1); c.409G>T, p.Gly137Cys (NM_001375607.1); c.301G>T, p.Gly101Cys (NM_001375609.1); c.319G>T, p.Gly107Cys (NM_001375610.1); short protein forms G109C, G101C, G107C, G130C, G137C, G170C.
Identifiers: ClinVar variation 665867 (VCV000665867.8), dbSNP rs1156578125, ClinGen allele CA348399041.